The following is an entry in ClinVar:

NM_024675.4(PALB2):c.739A>T (p.Thr247Ser)

Gene: PALB2 (partner and localizer of BRCA2; minus strand). Cytogenetic location: 16p12.2.
Variant type: single nucleotide variant.
Coding change: c.739A>T on transcript NM_024675.4 (MANE Select); coding-DNA position 739, A replaced by T.
Protein change: p.Thr247Ser; replaces threonine 247 with serine.
Molecular consequence: missense variant. On other transcripts: 5 prime UTR variant (8), intron variant (3).
Genome position (GRCh38, 1-based): chr16:23,635,807, T>A on the plus strand (A>T on the coding strand, the complement: PALB2 is on the minus strand). VCF-style: chr16-23635807-T-A. GRCh37 (hg19) VCF-style: chr16-23647128-T-A.
Other names: c.-147A>T (NM_001407305.1, NM_001407306.1, NM_001407307.1 and 5 more transcripts); c.48+5303A>T (NM_001407314.1); c.-105+5303A>T (NM_001407313.1, NM_001407312.1); c.739A>T, p.Thr247Ser (NM_001407302.1, NM_001407297.1, NM_001407298.1 and 3 more transcripts); c.679A>T, p.Thr227Ser (NM_001407296.1); short protein forms T227S, T247S.
Identifiers: ClinVar variation 5026163 (VCV005026163.1).
Genomic context (GRCh38, chr16:23,635,807, plus strand): 5'-GAGGAATGTGTTCAAGGTGCTGACTACTACCGCTATCTGATAGAGTCTGTAAAGGAACTG[T>A]AGTCGCCCTGGTGAAATTAGGTCTTCTTAGGAATGTATCAACACCTTTTTCTGGTTGGGC-3'
Protein context (NP_078951.2, residues 237-257): LRRPNFTRAT[Thr247Ser]VPLQTLSDSG

ClinVar aggregate classification (germline): Uncertain significance (1 of 4 stars; one submission).

Conditions:
Hereditary cancer-predisposing syndrome. Also called: Neoplastic Syndromes, Hereditary; Tumor predisposition; Hereditary neoplastic syndrome; Hereditary Cancer Syndrome. Identifiers: Orphanet 140162, MedGen C0027672, MeSH D009386, MONDO:0015356.

Submission:

Ambry Genetics
Classification: Uncertain significance for Hereditary cancer-predisposing syndrome. Last evaluated: 2026-07-07. Review status: criteria provided, single submitter. Criteria: Ambry Variant Classification Scheme 2023. Collection method: clinical testing. Allele origin: germline.
Comment: The p.T247S variant (also known as c.739A>T), located in coding exon 4 of the PALB2 gene, results from an A to T substitution at nucleotide position 739. The threonine at codon 247 is replaced by serine, an amino acid with similar properties. This amino acid position is conserved. In addition, this alteration is predicted to be tolerated by in silico analysis. Based on the available evidence, the clinical significance of this variant remains unclear.